The following is an entry in ClinVar:

ClinVar aggregate classification (germline): Likely benign. Review status: criteria provided, multiple submitters, no conflicts (2 of 4 stars). 2 submissions from 2 submitters: Likely benign (2). Last evaluated 2025-07-01.

Conditions:
Progressive myoclonic epilepsy type 7. Identifiers: Orphanet 435438, MedGen C4015420, MONDO:0014521, OMIM 616187.

gnomAD v4.1: 14 of 1,614,064 alleles (0.00087%); highest among the groups gnomAD compares: Non-Finnish European, 0.001%; no homozygotes.

Submissions (2):

CeGaT Center for Human Genetics Tuebingen
Classification: Likely benign. Last evaluated: 2025-07-01. Review status: criteria provided, single submitter. Criteria: CeGaT Center For Human Genetics Tuebingen Variant Classification Criteria Version 2. Collection method: clinical testing. Allele origin: germline. Affected: yes. Observed: 1 variant allele.
Comment: KCNC1: BP4, BP7

Labcorp Genetics (formerly Invitae), Labcorp
Classification: Likely benign for Progressive myoclonic epilepsy type 7. Last evaluated: 2024-11-28. Review status: criteria provided, single submitter. Criteria: Invitae Variant Classification Sherloc (09022015). Collection method: clinical testing. Allele origin: germline.

NM_001112741.2(KCNC1):c.1098C>G (p.Ala366=)

Gene: KCNC1 (potassium voltage-gated channel subfamily C member 1; plus strand). Cytogenetic location: 11p15.1.
Variant type: single nucleotide variant.
Coding change: c.1098C>G on transcript NM_001112741.2 (MANE Select); coding-DNA position 1098, C replaced by G.
Protein change: p.Ala366=; no amino-acid change (alanine 366 retained).
Molecular consequence: synonymous variant.
Genome position (GRCh38, 1-based): chr11:17,772,192, C>G. VCF-style: chr11-17772192-C-G. GRCh37 (hg19) VCF-style: chr11-17793739-C-G.
Other names: c.1098C>G, p.Ala366= (NM_004976.4).
Identifiers: ClinVar variation 3604747 (VCV003604747.10).
Genomic context (GRCh38, chr11:17,772,192, plus strand): 5'-GCTGCTCATCATCTTCCTGGCCTTGGGCGTGCTGATCTTCGCCACCATGATCTACTACGC[C>G]GAGAGGATAGGGGCACAGCCCAATGACCCCAGCGCCAGTGAGCACACGCACTTTAAGAAC-3'
Protein context (NP_001106212.1, residues 356-376): VLIFATMIYY[Ala366=]ERIGAQPNDP